The following is an entry in ClinVar:

NM_001042424.3(NSD2):c.2291G>T (p.Cys764Phe)

Gene: NSD2 (nuclear receptor binding SET domain protein 2; plus strand). Cytogenetic location: 4p16.3.
Variant type: single nucleotide variant.
Coding change: c.2291G>T on transcript NM_001042424.3 (MANE Select); coding-DNA position 2291, G replaced by T.
Protein change: p.Cys764Phe; replaces cysteine 764 with phenylalanine.
Molecular consequence: missense variant.
Genome position (GRCh38, 1-based): chr4:1,953,477, G>T. VCF-style: chr4-1953477-G-T. GRCh37 (hg19) VCF-style: chr4-1955204-G-T.
Other names: c.2291G>T, p.Cys764Phe (NM_133330.3, NM_133331.3, NM_133335.4); short protein forms C764F.
Identifiers: ClinVar variation 2604809 (VCV002604809.2), dbSNP rs2474622067, ClinGen allele CA355987064.

ClinVar aggregate classification (germline): Likely pathogenic (1 of 4 stars; one submission).

Conditions:
Inborn genetic diseases. Identifiers: MedGen C0950123, MeSH D030342.

Submission:

Ambry Genetics
Classification: Likely pathogenic for Inborn genetic diseases. Last evaluated: 2023-07-31. Review status: criteria provided, single submitter. Criteria: Ambry Variant Classification Scheme 2023. Collection method: clinical testing. Allele origin: germline.
Comment: The c.2291G>T (p.C764F) alteration is located in exon 14 (coding exon 11) of the WHSC1 gene. This alteration results from a G to T substitution at nucleotide position 2291, causing the cysteine (C) at amino acid position 764 to be replaced by a phenylalanine (F). This variant was not reported in population-based cohorts in the Genome Aggregation Database (gnomAD). This amino acid position is highly conserved in available vertebrate species. This alteration is predicted to be deleterious by in silico analysis. Based on the available evidence, this alteration is classified as likely pathogenic.